The following is an entry in ClinVar:

NM_000135.4(FANCA):c.2706C>G (p.Asp902Glu)

Gene: FANCA (FA complementation group A; minus strand). Cytogenetic location: 16q24.3.
Variant type: single nucleotide variant.
Coding change: c.2706C>G on transcript NM_000135.4 (MANE Select); coding-DNA position 2706, C replaced by G.
Protein change: p.Asp902Glu; replaces aspartic acid 902 with glutamic acid.
Molecular consequence: missense variant.
Genome position (GRCh38, 1-based): chr16:89,764,962, G>C on the plus strand (C>G on the coding strand, the complement: FANCA is on the minus strand). VCF-style: chr16-89764962-G-C. GRCh37 (hg19) VCF-style: chr16-89831370-G-C.
Other names: c.2706C>G (LRG_495t1, NM_000135.3); c.2706C>G, p.Asp902Glu (NM_001286167.3); short protein forms D902E.
Identifiers: ClinVar variation 134259 (VCV000134259.23), dbSNP rs587778315, ClinGen allele CA159287.

ClinVar aggregate classification (germline): Uncertain significance. Review status: criteria provided, multiple submitters, no conflicts (2 of 4 stars). 9 submissions from 9 submitters: Uncertain significance (7). 2 of the submissions do not count toward it. Last evaluated 2025-07-22.

Conditions:
Fanconi anemia (FA). Also called: Fanconi's anemia. Identifiers: Orphanet 84, MedGen C0015625, MeSH D005199, MONDO:0019391.
Fanconi anemia complementation group A (FANCA). Also called: FANCA-Related Fanconi Anemia; Fanconi anemia, group A. Identifiers: Orphanet 84, MedGen C3469521, MONDO:0009215, OMIM 227650.

Allele frequency attached by ClinVar (database versions not stated): ExAC 0.00002; gnomAD exomes 0.00003 and 0.00005; gnomAD 0.00004; TOPMed 0.00008.
gnomAD v4.1: 75 of 1,614,238 alleles (0.0046%); highest among the groups gnomAD compares: Middle Eastern, 0.16%; 1 homozygote.

Submissions (9):

Quest Diagnostics Nichols Institute San Juan Capistrano
Classification: Uncertain significance. Last evaluated: 2025-07-22. Review status: criteria provided, single submitter. Criteria: Quest Diagnostics criteria. Collection method: clinical testing. Allele origin: unknown.
Comment: The FANCA c.2706C>G (p.Asp902Glu) variant has been reported in the published literature in an individual with ovarian cancer (PMID: 32546565 (2021)), and reportedly unaffected individuals (PMID: 24728327 (2014), 29641532 (2018)). The frequency of this variant in the general population (Genome Aggregation Database) is uninformative in the assessment of its pathogenicity. Analysis of this variant using bioinformatics tools for the prediction of the effect of amino acid changes on protein structure and function yielded predictions that this variant is benign. Based on the available information, we are unable to determine the clinical significance of this variant.

Blueprint Genetics
Classification: Uncertain significance. Last evaluated: 2024-10-16. Review status: criteria provided, single submitter. Criteria: ACMG Guidelines, 2015. Collection method: clinical testing. Allele origin: germline.

St. Jude Molecular Pathology, St. Jude Children's Research Hospital
Classification: Uncertain significance for Fanconi anemia complementation group A. Last evaluated: 2024-06-27. Review status: criteria provided, single submitter. Criteria: St. Jude Assertion Criteria 2020. Collection method: clinical testing. Allele origin: germline.
Comment: The FANCA c.2706C>G (p.Asp902Glu) missense change has a maximum subpopulation frequency of 0.012% in gnomAD v2.1.1. The in silico tool REVEL is inconclusive about a pathogenic or benign effect of this variant on protein function, and to our knowledge functional studies have not been performed. To our knowledge, this variant has not been reported in individuals with Fanconi anemia. In summary, the evidence currently available is insufficient to determine the clinical significance of this variant. It has therefore been classified as of uncertain significance.

Fulgent Genetics
Classification: Uncertain significance for Fanconi anemia complementation group A. Last evaluated: 2024-04-04. Review status: criteria provided, single submitter. Criteria: ACMG Guidelines, 2015. Collection method: clinical testing. Allele origin: germline.

Labcorp Genetics (formerly Invitae), Labcorp
Classification: Uncertain significance for Fanconi anemia. Last evaluated: 2022-10-24. Review status: criteria provided, single submitter. Criteria: Invitae Variant Classification Sherloc (09022015). Collection method: clinical testing. Allele origin: germline.
Comment: This sequence change replaces aspartic acid, which is acidic and polar, with glutamic acid, which is acidic and polar, at codon 902 of the FANCA protein (p.Asp902Glu). This variant is present in population databases (rs587778315, gnomAD 0.01%). This variant has not been reported in the literature in individuals affected with FANCA-related conditions. ClinVar contains an entry for this variant (Variation ID: 134259). Advanced modeling of protein sequence and biophysical properties (such as structural, functional, and spatial information, amino acid conservation, physicochemical variation, residue mobility, and thermodynamic stability) performed at Invitae indicates that this missense variant is not expected to disrupt FANCA protein function. In summary, the available evidence is currently insufficient to determine the role of this variant in disease. Therefore, it has been classified as a Variant of Uncertain Significance.

Genome-Nilou Lab
Classification: Uncertain significance for Fanconi anemia complementation group A. Last evaluated: 2021-07-14. Review status: criteria provided, single submitter. Criteria: ACMG Guidelines, 2015. Collection method: clinical testing. Allele origin: germline. Affected: no.

Genetic Services Laboratory, University of Chicago
Classification: Uncertain significance. Last evaluated: 2019-08-02. Review status: criteria provided, single submitter. Criteria: ACMG Guidelines, 2015. Collection method: clinical testing. Allele origin: germline. Affected: no.

Natera, Inc.
Classification: Uncertain significance for Fanconi anemia. Last evaluated: 2020-02-03. Review status: no assertion criteria provided. Collection method: clinical testing. Allele origin: germline. Not counted in ClinVar's aggregate classification.

ITMI
No classification provided. Condition: AllHighlyPenetrant. Last evaluated: 2013-09-19. Review status: no classification provided. Collection method: reference population. Allele origin: germline. Not counted in ClinVar's aggregate classification.
Comment: Please see associated publication for description of ethnicities

Literature cited by the submitters: PubMed 24728327 (cited by Quest Diagnostics Nichols Institute San Juan Capistrano and ITMI); PubMed 32546565 (cited by Quest Diagnostics Nichols Institute San Juan Capistrano); PubMed 29641532 (cited by Quest Diagnostics Nichols Institute San Juan Capistrano).